The following is an entry in ClinVar:

NM_001458.5(FLNC):c.5669-12C>T

Genes: FLNC (filamin C; plus strand), FLNC-AS1 (FLNC antisense RNA 1; minus strand). Cytogenetic location: 7q32.1.
Variant type: single nucleotide variant.
Coding change: c.5669-12C>T on transcript NM_001458.5 (MANE Select); 12 bases into the intron before coding-DNA position 5669, C replaced by T.
Molecular consequence: intron variant. On other transcripts: non-coding transcript variant (1).
Genome position (GRCh38, 1-based): chr7:128,851,443, C>T. VCF-style: chr7-128851443-C-T. GRCh37 (hg19) VCF-style: chr7-128491497-C-T.
Other names: c.5570-12C>T (NM_001127487.2).
Identifiers: ClinVar variation 258149 (VCV000258149.20), dbSNP rs79790270, ClinGen allele CA4475760.
Genomic context (GRCh38, chr7:128,851,443, plus strand): 5'-GCTGGGGTGGAGACTCACCAGGGGCAGGGGTGAGGGCAGGACCTCTGATCTTGGCCACAC[C>T]TCCACCTACAGGGGGTCTGTCACTGGCCGTGGAGGGCCCATCCAAGGCAGAGATCACCTG-3'

ClinVar aggregate classification (germline): Benign. Review status: criteria provided, multiple submitters, no conflicts (2 of 4 stars). 11 submissions from 11 submitters: Benign (7). 4 of the submissions do not count toward it. Last evaluated 2026-02-04.

Conditions:
Myofibrillar myopathy 5. Also called: Filaminopathy (type); FILAMINOPATHY, AUTOSOMAL DOMINANT. Identifiers: Orphanet 171445, MedGen C1836050, MONDO:0012289, OMIM 609524.
Distal myopathy with posterior leg and anterior hand involvement. Also called: WILLIAMS DISTAL MYOPATHY. Identifiers: Orphanet 63273, MedGen C3279722, MONDO:0013550, OMIM 614065.
Hypertrophic cardiomyopathy 26. Also called: Cardiomyopathy, familial hypertrophic, 26. Identifiers: Orphanet 75249, MedGen C4310749, MONDO:0014883, OMIM 617047.

Allele frequency attached by ClinVar (database versions not stated): 1000 Genomes Project 30x 0.01405; 1000 Genomes Project 0.01478; TOPMed 0.02097; ESP Exome Variant Server 0.02565; gnomAD 0.02778 and 0.02786; gnomAD exomes 0.03125 and 0.03458; ExAC 0.03157.

Submissions (11):

Labcorp Genetics (formerly Invitae), Labcorp
Classification: Benign for Distal myopathy with posterior leg and anterior hand involvement; Myofibrillar myopathy 5; Hypertrophic cardiomyopathy 26. Last evaluated: 2026-02-04. Review status: criteria provided, single submitter. Criteria: Invitae Variant Classification Sherloc (09022015). Collection method: clinical testing. Allele origin: germline.

Blueprint Genetics
Classification: Benign. Last evaluated: 2024-11-27. Review status: criteria provided, single submitter. Criteria: ACMG Guidelines, 2015. Collection method: clinical testing. Allele origin: germline.

Women's Health and Genetics/Laboratory Corporation of America, LabCorp
Classification: Benign. Last evaluated: 2023-07-29. Review status: criteria provided, single submitter. Criteria: LabCorp Variant Classification Summary - May 2015. Collection method: clinical testing. Allele origin: germline.

GeneDx
Classification: Benign. Last evaluated: 2016-01-13. Review status: criteria provided, single submitter. Criteria: GeneDx Variant Classification (06012015). Collection method: clinical testing. Allele origin: germline. Affected: yes.
Comment: This variant is considered likely benign or benign based on one or more of the following criteria: it is a conservative change, it occurs at a poorly conserved position in the protein, it is predicted to be benign by multiple in silico algorithms, and/or has population frequency not consistent with disease.

Laboratory for Molecular Medicine, Mass General Brigham Personalized Medicine
Classification: Benign. Last evaluated: 2014-11-24. Review status: criteria provided, single submitter. Criteria: LMM Criteria. Collection method: clinical testing. Allele origin: germline. Observed: 1 variant allele.
Comment: 5669-12C>T in intron 34 of FLNC: This variant is not expected to have clinical s ignificance because it has been identified in 3.5% (300/8532) of European Americ an chromosomes from a broad population by the NHLBI Exome Sequencing Project (dbSNP rs79790270).

Breakthrough Genomics
Classification: Benign. Review status: criteria provided, single submitter. Criteria: ACMG Guidelines, 2015. Collection method: not provided. Allele origin: germline. Inheritance: Autosomal dominant inheritance. Affected: yes.

PreventionGenetics, part of Exact Sciences
Classification: Benign. Review status: criteria provided, single submitter. Criteria: ACMG Guidelines, 2015. Collection method: clinical testing. Allele origin: germline.

Clinical Genetics, Academic Medical Center
Classification: Benign. Review status: no assertion criteria provided. Collection method: clinical testing. Allele origin: germline. Affected: yes. Study: VKGL Data-share Consensus. Not counted in ClinVar's aggregate classification.

Genome Diagnostics Laboratory, University Medical Center Utrecht
Classification: Benign. Review status: no assertion criteria provided. Collection method: clinical testing. Allele origin: germline. Affected: yes. Study: VKGL Data-share Consensus. Not counted in ClinVar's aggregate classification.

Joint Genome Diagnostic Labs from Nijmegen and Maastricht, Radboudumc and MUMC+
Classification: Benign. Review status: no assertion criteria provided. Collection method: clinical testing. Allele origin: germline. Affected: yes. Study: VKGL Data-share Consensus. Not counted in ClinVar's aggregate classification.

Laboratory of Diagnostic Genome Analysis, Leiden University Medical Center (LUMC)
Classification: Likely benign. Review status: no assertion criteria provided. Collection method: clinical testing. Allele origin: germline. Affected: yes. Study: VKGL Data-share Consensus. Not counted in ClinVar's aggregate classification.